The following is an entry in ClinVar:

NM_003001.5(SDHC):c.147C>T (p.Asn49=)

Gene: SDHC (succinate dehydrogenase complex subunit C; plus strand). Cytogenetic location: 1q23.3.
Variant type: single nucleotide variant.
Coding change: c.147C>T on transcript NM_003001.5 (MANE Select); coding-DNA position 147, C replaced by T.
Protein change: p.Asn49=; no amino-acid change (asparagine 49 retained).
Molecular consequence: synonymous variant. On other transcripts: non-coding transcript variant (1), intron variant (4).
Genome position (GRCh38, 1-based): chr1:161,328,465, C>T. VCF-style: chr1-161328465-C-T. GRCh37 (hg19) VCF-style: chr1-161298255-C-T.
Other names: c.147C>T, p.Asn49= (NM_001035511.3, NM_001407115.1); c.90C>T, p.Asn30= (NM_001407116.1, NM_001407117.1, NM_001407121.1); c.36C>T, p.Asn12= (NM_001407119.1, NM_001407120.1); c.77+4795C>T (NM_001035512.3, NM_001278172.3, NM_001407118.1); c.21-12129C>T (NM_001035513.3).
Identifiers: ClinVar variation 3904639 (VCV003904639.3).

ClinVar aggregate classification (germline): Benign/Likely benign. Review status: criteria provided, multiple submitters, no conflicts (2 of 4 stars). 3 submissions from 3 submitters: Benign (1); Likely benign (2). Last evaluated 2026-01-07.

Conditions:
Hereditary cancer-predisposing syndrome. Also called: Neoplastic Syndromes, Hereditary; Tumor predisposition; Hereditary Cancer Syndrome; Hereditary neoplastic syndrome. Identifiers: Orphanet 140162, MedGen C0027672, MeSH D009386, MONDO:0015356.
Gastrointestinal stromal tumor. Also called: Gastrointestinal stromal tumor, somatic; Gastrointestinal stroma tumor. Identifiers: Orphanet 44890, MedGen C0238198, MeSH D046152, MONDO:0011719, OMIM 606764, HP:0100723.
Pheochromocytoma/paraganglioma syndrome 3. Also called: GLOMUS TUMORS, FAMILIAL, 3; Paragangliomas 3; SDHC-Related Hereditary Paraganglioma-Pheochromocytoma Syndrome (Paragangliomas 3); SDHC-Related Hereditary Paraganglioma-Pheochromocytoma Syndrome. Identifiers: Orphanet 29072, MedGen C1854336, MONDO:0011544, OMIM 605373.

Submissions (3):

Labcorp Genetics (formerly Invitae), Labcorp
Classification: Likely benign for Pheochromocytoma/paraganglioma syndrome 3; Gastrointestinal stromal tumor. Last evaluated: 2026-01-07. Review status: criteria provided, single submitter. Criteria: Invitae Variant Classification Sherloc (09022015). Collection method: clinical testing. Allele origin: germline.

Ambry Genetics
Classification: Likely benign for Hereditary cancer-predisposing syndrome. Last evaluated: 2025-07-16. Review status: criteria provided, single submitter. Criteria: Ambry Variant Classification Scheme 2023. Collection method: clinical testing. Allele origin: germline.

Myriad Genetics, Inc.
Classification: Benign for Pheochromocytoma/paraganglioma syndrome 3. Last evaluated: 2025-03-14. Review status: criteria provided, single submitter. Criteria: Myriad Autosomal Dominant, Autosomal Recessive and X-Linked Classification Criteria (2023). Collection method: clinical testing. Allele origin: unknown.
Comment: This variant is considered benign. This variant is a silent/synonymous amino acid change and it is not expected to impact splicing.